The following is an entry in ClinVar:

NM_018489.3(ASH1L):c.466G>A (p.Glu156Lys)

Gene: ASH1L (ASH1 like histone lysine methyltransferase; minus strand). Cytogenetic location: 1q22.
Variant type: single nucleotide variant.
Coding change: c.466G>A on transcript NM_018489.3 (MANE Select); coding-DNA position 466, G replaced by A.
Protein change: p.Glu156Lys; replaces glutamic acid 156 with lysine.
Molecular consequence: missense variant.
Genome position (GRCh38, 1-based): chr1:155,482,404, C>T on the plus strand (G>A on the coding strand, the complement: ASH1L is on the minus strand). VCF-style: chr1-155482404-C-T. GRCh37 (hg19) VCF-style: chr1-155452195-C-T.
Other names: c.466G>A, p.Glu156Lys (NM_001366177.2); short protein forms E156K.
Identifiers: ClinVar variation 2690475 (VCV002690475.4), dbSNP rs866370455, ClinGen allele CA30915818.

ClinVar aggregate classification (germline): Conflicting classifications of pathogenicity. Review status: criteria provided, conflicting classifications (1 of 4 stars). 3 submissions from 3 submitters: Uncertain significance (2); Likely benign (1). Last evaluated 2024-01-17.

Conditions:
Intellectual developmental disorder, autosomal dominant 52. Also called: Intellectual disability, autosomal dominant 52; Mental retardation, autosomal dominant 52. Identifiers: MedGen C4540478, MONDO:0030918, OMIM 617796.

Allele frequency attached by ClinVar (database versions not stated): gnomAD exomes below 0.00001.

Submissions (3):

Pittsburgh Clinical Genomics Laboratory, University of Pittsburgh Medical Center
Classification: Uncertain significance for Intellectual developmental disorder, autosomal dominant 52. Last evaluated: 2024-01-17. Review status: criteria provided, single submitter. Criteria: ACMG Guidelines, 2015. Collection method: clinical testing. Allele origin: germline. Inheritance: Autosomal dominant inheritance. Affected: yes.
Comment: This sequence variant is a single nucleotide substitution (G>A) at position 466 of the coding sequence of the ASH1L gene that results in a glutamic acid to lysine amino acid change at residue 156 of the ASH1 like histone lysine methyltransferase protein. This variant is absent from ClinVar and has not been observed in individuals affected by an ASH1L-related disorder in the published literature, to our knowledge. This variant is present in 7 of 1461628 alleles (0.0005%) in the gnomAD v4.0.0 population dataset. Bioinformatic tools are inconclusive if this amino acid change will be damaging or tolerated, and the Glu156 residue at this position is highly conserved across the vertebrate species examined. Studies examining the functional consequence of this variant have not been published, to our knowledge. At this time, there is insufficient evidence to determine if this variant is pathogenic or benign. Therefore, we consider this a variant of uncertain significance. ACMG Criteria: PM2

Revvity Omics, Revvity
Classification: Likely benign for Intellectual developmental disorder, autosomal dominant 52. Last evaluated: 2023-11-09. Review status: criteria provided, single submitter. Criteria: ACMG Guidelines, 2015. Collection method: clinical testing. Allele origin: germline.

Blueprint Genetics
Classification: Uncertain significance. Last evaluated: 2019-12-12. Review status: criteria provided, single submitter. Criteria: ACMG Guidelines, 2015. Collection method: clinical testing. Allele origin: germline.